The following is an entry in ClinVar:

ClinVar aggregate classification (germline): Uncertain significance (1 of 4 stars; one submission).

Allele frequency attached by ClinVar (database versions not stated): gnomAD exomes below 0.00001.
gnomAD v4.1: 1 of 1,552,614 alleles (0.000064%); highest among the groups gnomAD compares: Non-Finnish European, 0.000087%; no homozygotes.

Submission:

Labcorp Genetics (formerly Invitae), Labcorp
Classification: Uncertain significance. Last evaluated: 2022-08-01. Review status: criteria provided, single submitter. Criteria: Invitae Variant Classification Sherloc (09022015). Collection method: clinical testing. Allele origin: germline.
Comment: This sequence change replaces glutamic acid, which is acidic and polar, with glycine, which is neutral and non-polar, at codon 47 of the PIGB protein (p.Glu47Gly). This variant is not present in population databases (gnomAD no frequency). This variant has not been reported in the literature in individuals affected with PIGB-related conditions. Algorithms developed to predict the effect of missense changes on protein structure and function (SIFT, PolyPhen-2, Align-GVGD) all suggest that this variant is likely to be tolerated. In summary, the available evidence is currently insufficient to determine the role of this variant in disease. Therefore, it has been classified as a Variant of Uncertain Significance.

NM_004855.5(PIGB):c.140A>G (p.Glu47Gly)

Gene: PIGB (phosphatidylinositol glycan anchor biosynthesis class B; plus strand). Cytogenetic location: 15q21.3.
Variant type: single nucleotide variant.
Coding change: c.140A>G on transcript NM_004855.5 (MANE Select); coding-DNA position 140, A replaced by G.
Protein change: p.Glu47Gly; replaces glutamic acid 47 with glycine.
Molecular consequence: missense variant.
Genome position (GRCh38, 1-based): chr15:55,319,390, A>G. VCF-style: chr15-55319390-A-G. GRCh37 (hg19) VCF-style: chr15-55611588-A-G.
Other names: short protein forms E47G.
Identifiers: ClinVar variation 2106440 (VCV002106440.4), dbSNP rs1184080555, ClinGen allele CA392541089.